The following is an entry in ClinVar:

NM_015156.4(RCOR1):c.989A>G (p.Asn330Ser)

Gene: RCOR1 (REST corepressor 1; plus strand). Cytogenetic location: 14q32.32.
Variant type: single nucleotide variant.
Coding change: c.989A>G on transcript NM_015156.4 (MANE Select); coding-DNA position 989, A replaced by G.
Protein change: p.Asn330Ser; replaces asparagine 330 with serine.
Molecular consequence: missense variant.
Genome position (GRCh38, 1-based): chr14:102,714,553, A>G. VCF-style: chr14-102714553-A-G. GRCh37 (hg19) VCF-style: chr14-103180890-A-G.
Other names: short protein forms N330S.
Identifiers: ClinVar variation 4747937 (VCV004747937.1).

ClinVar aggregate classification (germline): Uncertain significance (1 of 4 stars; one submission).

gnomAD v4.1: 91 of 1,614,040 alleles (0.0056%); highest among the groups gnomAD compares: Middle Eastern, 0.016%; 1 homozygote.

Submission:

Labcorp Genetics (formerly Invitae), Labcorp
Classification: Uncertain significance. Last evaluated: 2025-12-01. Review status: criteria provided, single submitter. Criteria: Invitae Variant Classification Sherloc (09022015). Collection method: clinical testing. Allele origin: germline.
Comment: This sequence change replaces asparagine, which is neutral and polar, with serine, which is neutral and polar, at codon 330 of the RCOR1 protein (p.Asn330Ser). This variant is present in population databases (rs757726691, gnomAD 0.02%). This variant has not been reported in the literature in individuals affected with RCOR1-related conditions. An algorithm developed to predict the effect of missense changes on protein structure and function (PolyPhen-2) suggests that this variant is likely to be tolerated. In summary, the available evidence is currently insufficient to determine the role of this variant in disease. Therefore, it has been classified as a Variant of Uncertain Significance.